The following is an entry in ClinVar:

NM_000187.4(HGD):c.961C>T (p.Arg321Ter)

Gene: HGD (homogentisate 1,2-dioxygenase; minus strand). Cytogenetic location: 3q13.33.
Variant type: single nucleotide variant.
Coding change: c.961C>T on transcript NM_000187.4 (MANE Select); coding-DNA position 961, C replaced by T.
Protein change: p.Arg321Ter; replaces arginine 321 with a stop codon.
Molecular consequence: nonsense.
Genome position (GRCh38, 1-based): chr3:120,638,500, G>A on the plus strand (C>T on the coding strand, the complement: HGD is on the minus strand). VCF-style: chr3-120638500-G-A. GRCh37 (hg19) VCF-style: chr3-120357347-G-A.
Other names: short protein forms R321*.
Identifiers: ClinVar variation 2203409 (VCV002203409.5), dbSNP rs1402437099, ClinGen allele CA354073472.

ClinVar aggregate classification (germline): Pathogenic. Review status: criteria provided, single submitter (1 of 4 stars). 2 submissions from 2 submitters: Pathogenic (1). 1 of the submissions does not count toward it. Last evaluated 2026-01-21.

Conditions:
Alkaptonuria (AKU). Also called: Homogentisic acidura; HOMOGENTISIC ACID OXIDASE DEFICIENCY; Alcaptonuria; Alkaptonuric ochronosis. Identifiers: Orphanet 56, MedGen C0002066, MONDO:0008753, OMIM 203500.

Submissions (2):

Labcorp Genetics (formerly Invitae), Labcorp
Classification: Pathogenic for Alkaptonuria. Last evaluated: 2026-01-21. Review status: criteria provided, single submitter. Criteria: Invitae Variant Classification Sherloc (09022015). Collection method: clinical testing. Allele origin: germline.
Comment: This sequence change creates a premature translational stop signal (p.Arg321*) in the HGD gene. It is expected to result in an absent or disrupted protein product. Loss-of-function variants in HGD are known to be pathogenic (PMID: 12501223, 19862842). This variant is not present in population databases (gnomAD no frequency). This premature translational stop signal has been observed in individual(s) with alkaptonuria (PMID: 11001939). ClinVar contains an entry for this variant (Variation ID: 2203409). Algorithms developed to predict the effect of sequence changes on RNA splicing suggest that this variant may disrupt the consensus splice site. For these reasons, this variant has been classified as Pathogenic.

Department Of Human Genetics, Institute Of Clinical And Translational Research, Biomedical Research Center, Slovak Academy Of Sciences
Classification: Pathogenic for Alkaptonuria. Review status: no assertion criteria provided. Collection method: research. Allele origin: germline. Inheritance: Autosomal recessive inheritance. Affected: yes. Observed: 2 variant alleles. Not counted in ClinVar's aggregate classification.
Comment: The variant was originally described in AKU patient in PMID:30737480. It has been submitted to the HGD gene mutation database (DB-ID: AKU_00085).

Literature cited by the submitters: PubMed 12501223 (cited by Labcorp Genetics (formerly Invitae), Labcorp); PubMed 19862842 (cited by Labcorp Genetics (formerly Invitae), Labcorp); PubMed 11001939 (cited by Labcorp Genetics (formerly Invitae), Labcorp); PubMed 30737480 (cited by Department Of Human Genetics, Institute Of Clinical And Translational Research, Biomedical Research Center, Slovak Academy Of Sciences).